The following is an entry in ClinVar:

NM_000301.5(PLG):c.1028G>A (p.Arg343Gln)

Gene: PLG (plasminogen; plus strand). Cytogenetic location: 6q26.
Variant type: single nucleotide variant.
Coding change: c.1028G>A on transcript NM_000301.5 (MANE Select); coding-DNA position 1028, G replaced by A.
Protein change: p.Arg343Gln; replaces arginine 343 with glutamine.
Molecular consequence: missense variant.
Genome position (GRCh38, 1-based): chr6:160,718,770, G>A. VCF-style: chr6-160718770-G-A. GRCh37 (hg19) VCF-style: chr6-161139802-G-A.
Other names: short protein forms R343Q.
Identifiers: ClinVar variation 3934415 (VCV003934415.2).
Genomic context (GRCh38, chr6:160,718,770, plus strand): 5'-ACTGCCGCAATCCTGACGGAAAAAGGGCCCCATGGTGCCATACAACCAACAGCCAAGTGC[G>A]GTGGGAGTACTGTAAGATACCGTCCTGTGACTCCTCCCCAGTATCCACGGAACAATTGGC-3'
Protein context (NP_000292.1, residues 333-353): PWCHTTNSQV[Arg343Gln]WEYCKIPSCD

ClinVar aggregate classification (germline): Uncertain significance. Review status: criteria provided, multiple submitters, no conflicts (2 of 4 stars). 2 submissions from 2 submitters: Uncertain significance (2). Last evaluated 2025-05-21.

Conditions:
Inborn genetic diseases. Identifiers: MedGen C0950123, MeSH D030342.

gnomAD v4.1: 18 of 1,613,412 alleles (0.0011%); highest among the groups gnomAD compares: East Asian, 0.027%; 1 homozygote.

Submissions (2):

Labcorp Genetics (formerly Invitae), Labcorp
Classification: Uncertain significance. Last evaluated: 2025-05-21. Review status: criteria provided, single submitter. Criteria: Invitae Variant Classification Sherloc (09022015). Collection method: clinical testing. Allele origin: germline.
Comment: This sequence change replaces arginine, which is basic and polar, with glutamine, which is neutral and polar, at codon 343 of the PLG protein (p.Arg343Gln). This variant is present in population databases (rs775335671, gnomAD 0.05%). This variant has not been reported in the literature in individuals affected with PLG-related conditions. Invitae Evidence Modeling of protein sequence and biophysical properties (such as structural, functional, and spatial information, amino acid conservation, physicochemical variation, residue mobility, and thermodynamic stability) indicates that this missense variant is not expected to disrupt PLG protein function with a negative predictive value of 80%. In summary, the available evidence is currently insufficient to determine the role of this variant in disease. Therefore, it has been classified as a Variant of Uncertain Significance.

Ambry Genetics
Classification: Uncertain significance for Inborn genetic diseases. Last evaluated: 2025-05-18. Review status: criteria provided, single submitter. Criteria: Ambry Variant Classification Scheme 2023. Collection method: clinical testing. Allele origin: germline.